The following is an entry in ClinVar:

ClinVar aggregate classification (germline): Uncertain significance (1 of 4 stars; one submission).

Conditions:
Fucosidosis. Also called: ALPHA-L-FUCOSIDASE DEFICIENCY. Identifiers: Orphanet 349, MedGen C0016788, MONDO:0009254, OMIM 230000.

gnomAD v4.1: 1 of 1,614,138 alleles (0.000062%); highest among the groups gnomAD compares: Non-Finnish European, 0.000085%; no homozygotes.

Submission:

Labcorp Genetics (formerly Invitae), Labcorp
Classification: Uncertain significance for Fucosidosis. Last evaluated: 2021-10-08. Review status: criteria provided, single submitter. Criteria: Invitae Variant Classification Sherloc (09022015). Collection method: clinical testing. Allele origin: germline.
Comment: This sequence change replaces tyrosine with phenylalanine at codon 306 of the FUCA1 protein (p.Tyr306Phe). The tyrosine residue is highly conserved and there is a small physicochemical difference between tyrosine and phenylalanine. This variant is not present in population databases (ExAC no frequency). This variant has not been reported in the literature in individuals affected with FUCA1-related conditions. Algorithms developed to predict the effect of missense changes on protein structure and function output the following: SIFT: "Tolerated"; PolyPhen-2: "Benign"; Align-GVGD: "Class C0". The phenylalanine amino acid residue is found in multiple mammalian species, which suggests that this missense change does not adversely affect protein function. In summary, the available evidence is currently insufficient to determine the role of this variant in disease. Therefore, it has been classified as a Variant of Uncertain Significance.

NM_000147.5(FUCA1):c.917A>T (p.Tyr306Phe)

Gene: FUCA1 (alpha-L-fucosidase 1; minus strand). Cytogenetic location: 1p36.11.
Variant type: single nucleotide variant.
Coding change: c.917A>T on transcript NM_000147.5 (MANE Select); coding-DNA position 917, A replaced by T.
Protein change: p.Tyr306Phe; replaces tyrosine 306 with phenylalanine.
Molecular consequence: missense variant.
Genome position (GRCh38, 1-based): chr1:23,854,412, T>A on the plus strand (A>T on the coding strand, the complement: FUCA1 is on the minus strand). VCF-style: chr1-23854412-T-A. GRCh37 (hg19) VCF-style: chr1-24180902-T-A.
Other names: short protein forms Y306F.
Identifiers: ClinVar variation 1355264 (VCV001355264.3), dbSNP rs749790121, ClinGen allele CA339038379.